The following is an entry in ClinVar:

ClinVar aggregate classification (germline): Uncertain significance (1 of 4 stars; one submission).

Conditions:
Age related macular degeneration 4. Identifiers: MedGen C1853147, MONDO:0012540, OMIM 610698.

gnomAD v4.1: 1 of 1,585,034 alleles (0.000063%); highest among the groups gnomAD compares: Non-Finnish European, 0.000087%; no homozygotes.

Submission:

Genomenon, Inc
Classification: Uncertain significance for Age related macular degeneration 4. Last evaluated: 2025-10-02. Review status: criteria provided, single submitter. Criteria: Genomenon Sequence Variant Interpretation Standards - Updated. Collection method: curation. Allele origin: germline. Affected: yes.
Comment: CFH p.Ile140Met (c.420A>G) is a missense variant that changes the amino acid at residue 140 from Isoleucine to Methionine. This variant has been observed in at least one proband affected with age-related macular degeneration (PMID:34508573). It is absent or not present at a significant frequency in gnomAD. In silico models agree that this variant is not damaging. In conclusion, we classify CFH p.Ile140Met (c.420A>G) as a variant of uncertain significance.

Literature cited by the submitters: PubMed 34508573.

NM_000186.4(CFH):c.420A>G (p.Ile140Met)

Gene: CFH (complement factor H; plus strand). Cytogenetic location: 1q31.3.
Variant type: single nucleotide variant.
Coding change: c.420A>G on transcript NM_000186.4 (MANE Select); coding-DNA position 420, A replaced by G.
Protein change: p.Ile140Met; replaces isoleucine 140 with methionine.
Molecular consequence: missense variant.
Genome position (GRCh38, 1-based): chr1:196,676,058, A>G. VCF-style: chr1-196676058-A-G. GRCh37 (hg19) VCF-style: chr1-196645188-A-G.
Other names: c.420A>G, p.Ile140Met (NM_001014975.3); short protein forms I140M.
Identifiers: ClinVar variation 4291691 (VCV004291691.1).